The following is an entry in ClinVar:

NM_024079.5(ALG8):c.552G>T (p.Arg184Ser)

Gene: ALG8 (ALG8 alpha-1,3-glucosyltransferase; minus strand). Cytogenetic location: 11q14.1.
Variant type: single nucleotide variant.
Coding change: c.552G>T on transcript NM_024079.5 (MANE Select); coding-DNA position 552, G replaced by T.
Protein change: p.Arg184Ser; replaces arginine 184 with serine.
Molecular consequence: missense variant.
Genome position (GRCh38, 1-based): chr11:78,114,387, C>A on the plus strand (G>T on the coding strand, the complement: ALG8 is on the minus strand). VCF-style: chr11-78114387-C-A. GRCh37 (hg19) VCF-style: chr11-77825433-C-A.
Other names: c.552G>T, p.Arg184Ser (NM_001007027.3); short protein forms R184S.
Identifiers: ClinVar variation 1714465 (VCV001714465.7), dbSNP rs1226814029, ClinGen allele CA382117299.
Genomic context (GRCh38, chr11:78,114,387, plus strand): 5'-ATAGAGGTAGATATGCTTGAAATGTAGGAGAACAGCAAAGAGAAATGCTCCTTCCATATG[C>A]CTTTTCTAGGAGATTTAAAAGGGAAATATCACTTTAAAATTCAGGGTAAATGAAATGCAA-3'
Protein context (NP_076984.2, residues 174-194): LLSIARLFQK[Arg184Ser]HMEGAFLFAV

ClinVar aggregate classification (germline): Uncertain significance. Review status: criteria provided, multiple submitters, no conflicts (2 of 4 stars). 2 submissions from 2 submitters: Uncertain significance (2). Last evaluated 2025-06-12.

Conditions:
ALG8 congenital disorder of glycosylation. Also called: ALG8-CDG; CONGENITAL DISORDER OF GLYCOSYLATION, TYPE Ih; CDG Ih. Identifiers: Orphanet 79325, MedGen C2931002, MONDO:0011969, OMIM 608104.

Allele frequency attached by ClinVar (database versions not stated): TOPMed below 0.00001.

Submissions (2):

Labcorp Genetics (formerly Invitae), Labcorp
Classification: Uncertain significance for ALG8 congenital disorder of glycosylation. Last evaluated: 2025-06-12. Review status: criteria provided, single submitter. Criteria: Invitae Variant Classification Sherloc (09022015). Collection method: clinical testing. Allele origin: germline.
Comment: This sequence change replaces arginine, which is basic and polar, with serine, which is neutral and polar, at codon 184 of the ALG8 protein (p.Arg184Ser). This variant is not present in population databases (gnomAD no frequency). This variant has not been reported in the literature in individuals affected with ALG8-related conditions. ClinVar contains an entry for this variant (Variation ID: 1714465). Invitae Evidence Modeling of protein sequence and biophysical properties (such as structural, functional, and spatial information, amino acid conservation, physicochemical variation, residue mobility, and thermodynamic stability) indicates that this missense variant is not expected to disrupt ALG8 protein function with a negative predictive value of 80%. In summary, the available evidence is currently insufficient to determine the role of this variant in disease. Therefore, it has been classified as a Variant of Uncertain Significance.

Genetic Services Laboratory, University of Chicago
Classification: Uncertain significance. Last evaluated: 2023-05-03. Review status: criteria provided, single submitter. Criteria: ACMG Guidelines, 2015. Collection method: clinical testing. Allele origin: germline. Affected: no.
Comment: DNA sequence analysis of the ALG8 gene demonstrated a sequence change, c.552G>T, in exon 6 that results in an amino acid change, p.Arg184Ser. This sequence change does not appear to have been previously described in individuals with ALG8-related disorders and has also not been described in population databases such as ExAC and gnomAD (dbSNP rs1226814029). The p.Arg184Ser change affects a highly conserved amino acid residue located in a domain of the ALG8 protein that is known to be functional. The p.Arg184Ser substitution appears to be deleterious using several in-silico pathogenicity prediction tools (SIFT, Align GVGD, REVEL). Due to insufficient evidences and the lack of functional studies, the clinical significance of the p.Arg184Ser change remains unknown at this time.